The following is an entry in ClinVar:

NM_000059.4(BRCA2):c.6533A>G (p.His2178Arg)

Gene: BRCA2 (BRCA2 DNA repair associated; plus strand). Cytogenetic location: 13q13.1.
Variant type: single nucleotide variant.
Coding change: c.6533A>G on transcript NM_000059.4 (MANE Select); coding-DNA position 6533, A replaced by G.
Protein change: p.His2178Arg; replaces histidine 2178 with arginine.
Molecular consequence: missense variant. On other transcripts: non-coding transcript variant (1), intron variant (2).
Genome position (GRCh38, 1-based): chr13:32,340,888, A>G. VCF-style: chr13-32340888-A-G. GRCh37 (hg19) VCF-style: chr13-32915025-A-G.
Other names: c.6533A>G, p.His2178Arg (NM_001406719.1, NM_001406720.1); c.1910-3670A>G (NM_001406721.1); c.425-3670A>G (NM_001406722.1); short protein forms H2178R.
Identifiers: ClinVar variation 2915482 (VCV002915482.3), dbSNP rs2137528396, ClinGen allele CA387789675.

ClinVar aggregate classification (germline): Uncertain significance (1 of 4 stars; one submission).

Conditions:
Hereditary breast ovarian cancer syndrome. Also called: BRCA1- and BRCA2-Associated Hereditary Breast and Ovarian Cancer; Hereditary breast and ovarian cancer; Hereditary breast and ovarian cancer syndrome (HBOC); Hereditary breast and/or ovarian cancer syndrome; Hereditary breast and ovarian cancer syndrome; Breast and ovarian cancer. Identifiers: Orphanet 145, MedGen C0677776, MeSH D061325, MONDO:0003582. Disease mechanism: loss of function.

Allele frequency attached by ClinVar (database versions not stated): gnomAD exomes below 0.00001.
gnomAD v4.1: 2 of 1,606,320 alleles (0.00012%); highest among the groups gnomAD compares: Non-Finnish European, 0.00017%; no homozygotes.

Submission:

Labcorp Genetics (formerly Invitae), Labcorp
Classification: Uncertain significance for Hereditary breast ovarian cancer syndrome. Last evaluated: 2023-06-04. Review status: criteria provided, single submitter. Criteria: Invitae Variant Classification Sherloc (09022015). Collection method: clinical testing. Allele origin: germline.
Comment: In summary, the available evidence is currently insufficient to determine the role of this variant in disease. Therefore, it has been classified as a Variant of Uncertain Significance. Advanced modeling of protein sequence and biophysical properties (such as structural, functional, and spatial information, amino acid conservation, physicochemical variation, residue mobility, and thermodynamic stability) performed at Invitae indicates that this missense variant is not expected to disrupt BRCA2 protein function. This variant has not been reported in the literature in individuals affected with BRCA2-related conditions. This variant is not present in population databases (gnomAD no frequency). This sequence change replaces histidine, which is basic and polar, with arginine, which is basic and polar, at codon 2178 of the BRCA2 protein (p.His2178Arg).